The following is an entry in ClinVar:

NM_013275.6(ANKRD11):c.7311C>T (p.Pro2437=)

Gene: ANKRD11 (ankyrin repeat domain 11; minus strand). Cytogenetic location: 16q24.3.
Variant type: single nucleotide variant.
Coding change: c.7311C>T on transcript NM_013275.6 (MANE Select); coding-DNA position 7311, C replaced by T.
Protein change: p.Pro2437=; no amino-acid change (proline 2437 retained).
Molecular consequence: synonymous variant.
Genome position (GRCh38, 1-based): chr16:89,279,231, G>A on the plus strand (C>T on the coding strand, the complement: ANKRD11 is on the minus strand). VCF-style: chr16-89279231-G-A. GRCh37 (hg19) VCF-style: chr16-89345639-G-A.
Other names: c.7311C>T, p.Pro2437= (NM_001256182.2, NM_001256183.2).
Identifiers: ClinVar variation 1286307 (VCV001286307.21), dbSNP rs377547565, ClinGen allele CA8241259.

ClinVar aggregate classification (germline): Benign/Likely benign. Review status: criteria provided, multiple submitters, no conflicts (2 of 4 stars). 4 submissions from 4 submitters: Benign (2); Likely benign (2). Last evaluated 2025-11-03.

Conditions:
KBG syndrome (KBGS). Also called: ANKRD11-Related KBG Syndrome. Identifiers: Orphanet 2332, MedGen C0220687, MONDO:0007846, OMIM 148050.

Allele frequency attached by ClinVar (database versions not stated): gnomAD exomes 0.00005 and 0.00013; ExAC 0.00021; ESP Exome Variant Server 0.00046; gnomAD 0.00052 and 0.00056; TOPMed 0.00058; 1000 Genomes Project 30x 0.00078; 1000 Genomes Project 0.00080.
gnomAD v4.1: 154 of 1,612,148 alleles (0.0096%); highest among the groups gnomAD compares: African/African-American, 0.19%; no homozygotes.

Submissions (4):

Labcorp Genetics (formerly Invitae), Labcorp
Classification: Benign for KBG syndrome. Last evaluated: 2025-11-03. Review status: criteria provided, single submitter. Criteria: Invitae Variant Classification Sherloc (09022015). Collection method: clinical testing. Allele origin: germline.

CeGaT Center for Human Genetics Tuebingen
Classification: Likely benign. Last evaluated: 2024-12-01. Review status: criteria provided, single submitter. Criteria: CeGaT Center For Human Genetics Tuebingen Variant Classification Criteria Version 2. Collection method: clinical testing. Allele origin: germline. Affected: yes. Observed: 1 variant allele.
Comment: ANKRD11: BP4, BP7

Blueprint Genetics
Classification: Likely benign. Last evaluated: 2022-09-07. Review status: criteria provided, single submitter. Criteria: ACMG Guidelines, 2015. Collection method: clinical testing. Allele origin: germline.

GeneDx
Classification: Benign. Last evaluated: 2020-06-12. Review status: criteria provided, single submitter. Criteria: GeneDx Variant Classification Process June 2021. Collection method: clinical testing. Allele origin: germline. Affected: yes.